The following is an entry in ClinVar:

NM_001372066.1(TFAP2A):c.727C>G (p.Pro243Ala)

Genes: TFAP2A (transcription factor AP-2 alpha; minus strand), TFAP2A-AS2 (TFAP2A antisense RNA 2; plus strand), LOC121740638 (BRD4-independent group 4 enhancer GRCh37_chr6:10403277-10404476; plus strand). Cytogenetic location: 6p24.3.
Variant type: single nucleotide variant.
Coding change: c.727C>G on transcript NM_001372066.1 (MANE Select); coding-DNA position 727, C replaced by G.
Protein change: p.Pro243Ala; replaces proline 243 with alanine.
Molecular consequence: missense variant. On other transcripts: non-coding transcript variant (1).
Genome position (GRCh38, 1-based): chr6:10,404,551, G>C on the plus strand (C>G on the coding strand, the complement: TFAP2A is on the minus strand). VCF-style: chr6-10404551-G-C. GRCh37 (hg19) VCF-style: chr6-10404784-G-C.
Other names: c.703C>G, p.Pro235Ala (NM_001032280.3); c.709C>G, p.Pro237Ala (NM_001042425.3); short protein forms P237A, P235A, P243A.
Identifiers: ClinVar variation 2818437 (VCV002818437.3), dbSNP rs2532363645, ClinGen allele CA362701222.
Genomic context (GRCh38, chr6:10,404,551, plus strand): 5'-GCCGTGCCGGGCCTCACCTCCGGAGCACTCCGCCCAGCAGCGACGCGTTGAGACACTCGG[G>C]TGGTGAGAGCCGCCGCTGCACTTCCGCCACCGTGACCTTGTACTTCGAGGTGGAGCTGAG-3'
Protein context (NP_001358995.1, residues 233-253): VAEVQRRLSP[Pro243Ala]ECLNASLLGG

ClinVar aggregate classification (germline): Uncertain significance (1 of 4 stars; one submission).

Submission:

Labcorp Genetics (formerly Invitae), Labcorp
Classification: Uncertain significance. Last evaluated: 2023-10-03. Review status: criteria provided, single submitter. Criteria: Invitae Variant Classification Sherloc (09022015). Collection method: clinical testing. Allele origin: germline.
Comment: This sequence change replaces proline, which is neutral and non-polar, with alanine, which is neutral and non-polar, at codon 241 of the TFAP2A protein (p.Pro241Ala). This variant is not present in population databases (gnomAD no frequency). This variant has not been reported in the literature in individuals affected with TFAP2A-related conditions. An algorithm developed to predict the effect of missense changes on protein structure and function (PolyPhen-2) suggests that this variant is likely to be tolerated. In summary, the available evidence is currently insufficient to determine the role of this variant in disease. Therefore, it has been classified as a Variant of Uncertain Significance.